The following is an entry in ClinVar:

NM_000169.3(GLA):c.13A>G (p.Asn5Asp)

Genes: GLA (galactosidase alpha; minus strand), RPL36A-HNRNPH2 (RPL36A-HNRNPH2 readthrough; plus strand). Cytogenetic location: Xq22.1.
Variant type: single nucleotide variant.
Coding change: c.13A>G on transcript NM_000169.3 (MANE Select); coding-DNA position 13, A replaced by G.
Protein change: p.Asn5Asp; replaces asparagine 5 with aspartic acid.
Molecular consequence: missense variant. On other transcripts: non-coding transcript variant (3), intron variant (2).
Genome position (GRCh38, 1-based): chrX:101,407,891, T>C on the plus strand (A>G on the coding strand, the complement: GLA is on the minus strand). VCF-style: chrX-101407891-T-C. GRCh37 (hg19) VCF-style: chrX-100662879-T-C.
Other names: c.13A>G, p.Asn5Asp (NM_001406747.1, NM_001406748.1, NM_001406749.1); c.301-4045T>C (NM_001199973.2); c.178-4045T>C (NM_001199974.2); short protein forms N5D.
Identifiers: ClinVar variation 222181 (VCV000222181.9), dbSNP rs782442966, ClinGen allele CA030007.

ClinVar aggregate classification (germline): Conflicting classifications of pathogenicity. Review status: criteria provided, conflicting classifications (1 of 4 stars). 4 submissions from 4 submitters: Uncertain significance (3); Likely benign (1). Last evaluated 2026-09-08.

Conditions:
Fabry disease. Also called: GLA DEFICIENCY; HEREDITARY DYSTOPIC LIPIDOSIS; Fabry's disease; Angiokeratoma corporis diffusum; Ceramide trihexosidosis; ALPHA-GALACTOSIDASE A DEFICIENCY. Identifiers: Orphanet 324, MedGen C0002986, MONDO:0010526, OMIM 301500, HP:0001071. Disease mechanism: loss of function, Fabry disease is due to inactivating mutations in the X-linked GLA gene resulting in deficiency of the enzyme Alpha Galactosidase-A..
Cardiovascular phenotype. Identifiers: MedGen CN230736.

Allele frequency attached by ClinVar (database versions not stated): ExAC 0.00001; gnomAD exomes 0.00001.
gnomAD v4.1: 3 of 1,210,442 alleles (0.00025%); highest among the groups gnomAD compares: Non-Finnish European, 0.00034%; no homozygotes.

Submissions (4):

Genomenon, Inc
Classification: Uncertain significance for Fabry disease. Last evaluated: 2026-09-08. Review status: criteria provided, single submitter. Criteria: Genomenon Sequence Variant Interpretation Standards - Updated. Collection method: curation. Allele origin: germline. Affected: yes.
Comment: GLA p.Asn5Asp (c.13A>G) is a missense variant that changes the amino acid at codon 5 from Asparagine to Aspartic acid. This variant has been observed in at least one proband with clinical features consistent with Fabry disease (PMID:39062726). Functional or patient cell studies have been reported (PMID:39062726). It is absent or not present at a significant frequency in gnomAD. In silico models predict that this variant is not damaging. In conclusion, we classify GLA p.Asn5Asp (c.13A>G) as a variant of uncertain significance.

Ambry Genetics
Classification: Likely benign for Cardiovascular phenotype. Last evaluated: 2025-07-03. Review status: criteria provided, single submitter. Criteria: Ambry Variant Classification Scheme 2023. Collection method: clinical testing. Allele origin: germline.

Labcorp Genetics (formerly Invitae), Labcorp
Classification: Uncertain significance for Fabry disease. Last evaluated: 2021-10-31. Review status: criteria provided, single submitter. Criteria: Invitae Variant Classification Sherloc (09022015). Collection method: clinical testing. Allele origin: germline.
Comment: This sequence change replaces asparagine, which is neutral and polar, with aspartic acid, which is acidic and polar, at codon 5 of the GLA protein (p.Asn5Asp). This variant is present in population databases (rs782442966, gnomAD 0.001%). This missense change has been observed in individual(s) with clinical features of Fabry disease (PMID: 30477121). ClinVar contains an entry for this variant (Variation ID: 222181). Algorithms developed to predict the effect of missense changes on protein structure and function (SIFT, PolyPhen-2, Align-GVGD) all suggest that this variant is likely to be tolerated. In summary, the available evidence is currently insufficient to determine the role of this variant in disease. Therefore, it has been classified as a Variant of Uncertain Significance.

Color Diagnostics, LLC DBA Color Health
Classification: Uncertain significance for Fabry disease. Last evaluated: 2019-06-03. Review status: criteria provided, single submitter. Criteria: ACMG Guidelines, 2015. Collection method: clinical testing. Allele origin: germline.
Comment: This missense variant replaces asparagine with aspartic acid at codon 5 of the GLA protein. Computational prediction tools and conservation analyses suggest that this variant may not impact the protein function. Computational splicing tools suggest that this variant may not impact RNA splicing. To our knowledge, functional assays have not been performed for this variant nor has this variant been reported in individuals affected with cardiovascular disorders in the literature. This variant has been identified in 1/183361 chromosomes in the general population by the Genome Aggregation Database (gnomAD). Available evidence is insufficient to determine the role of this variant in disease conclusively. Therefore, this variant is classified as a Variant of Uncertain Significance.

Literature cited by the submitters: PubMed 39062726 (cited by Genomenon, Inc); PubMed 30477121 (cited by Ambry Genetics and Labcorp Genetics (formerly Invitae), Labcorp).